The following is an entry in ClinVar:

NM_000540.3(RYR1):c.5894A>C (p.Tyr1965Ser)

Gene: RYR1 (ryanodine receptor 1; plus strand). Cytogenetic location: 19q13.2.
Variant type: single nucleotide variant.
Coding change: c.5894A>C on transcript NM_000540.3 (MANE Select); coding-DNA position 5894, A replaced by C.
Protein change: p.Tyr1965Ser; replaces tyrosine 1965 with serine.
Molecular consequence: missense variant.
Genome position (GRCh38, 1-based): chr19:38,490,155, A>C. VCF-style: chr19-38490155-A-C. GRCh37 (hg19) VCF-style: chr19-38980795-A-C.
Other names: c.5894A>C, p.Tyr1965Ser (NM_001042723.2); short protein forms Y1965S.
Identifiers: ClinVar variation 1039789 (VCV001039789.8), dbSNP rs1969487142, ClinGen allele CA405660435.

ClinVar aggregate classification (germline): Uncertain significance (1 of 4 stars; one submission).

Conditions:
RYR1-related disorder. Also called: RYR1-related condition; RYR1-related disorders. Identifiers: MedGen CN239331.

Submission:

Labcorp Genetics (formerly Invitae), Labcorp
Classification: Uncertain significance for RYR1-related disorder. Last evaluated: 2020-08-17. Review status: criteria provided, single submitter. Criteria: Invitae Variant Classification Sherloc (09022015). Collection method: clinical testing. Allele origin: germline.
Comment: In summary, the available evidence is currently insufficient to determine the role of this variant in disease. Therefore, it has been classified as a Variant of Uncertain Significance. Advanced modeling of protein sequence and biophysical properties (such as structural, functional, and spatial information, amino acid conservation, physicochemical variation, residue mobility, and thermodynamic stability) performed at Invitae indicates that this missense variant is not expected to disrupt RYR1 protein function. This variant has not been reported in the literature in individuals with RYR1-related conditions. This variant is not present in population databases (ExAC no frequency). This sequence change replaces tyrosine with serine at codon 1965 of the RYR1 protein (p.Tyr1965Ser). The tyrosine residue is moderately conserved and there is a large physicochemical difference between tyrosine and serine.